The following is an entry in ClinVar:

ClinVar aggregate classification (germline): Uncertain significance (1 of 4 stars; one submission).

Submission:

Labcorp Genetics (formerly Invitae), Labcorp
Classification: Uncertain significance. Last evaluated: 2023-04-27. Review status: criteria provided, single submitter. Criteria: Invitae Variant Classification Sherloc (09022015). Collection method: clinical testing. Allele origin: germline.
Comment: In summary, the available evidence is currently insufficient to determine the role of this variant in disease. Therefore, it has been classified as a Variant of Uncertain Significance. This variant has not been reported in the literature in individuals affected with CHRM3-related conditions. A copy number gain of the genomic region encompassing the full coding sequence of the CHRM3 gene has been identified. The boundaries of this event are unknown as they extend beyond the assayed region for this gene and therefore may encompass additional genes. As the precise location of this event is unknown, it may be in tandem or it may be located elsewhere in the genome.

NC_000001.10:g.(?_240070603)_(240072524_?)dup

Gene: CHRM3 (cholinergic receptor muscarinic 3; plus strand). Cytogenetic location: 1q43.
Variant type: Duplication.
Identifiers: ClinVar variation 2423384 (VCV002423384.4).